The following is an entry in ClinVar:

NM_001040142.2(SCN2A):c.4254+233A>G

Gene: SCN2A (sodium voltage-gated channel alpha subunit 2; plus strand). Cytogenetic location: 2q24.3.
Variant type: single nucleotide variant.
Coding change: c.4254+233A>G on transcript NM_001040142.2 (MANE Select); 233 bases into the intron after coding-DNA position 4254, A replaced by G.
Molecular consequence: intron variant.
Genome position (GRCh38, 1-based): chr2:165,375,199, A>G. VCF-style: chr2-165375199-A-G. GRCh37 (hg19) VCF-style: chr2-166231709-A-G.
Other names: c.4254+233A>G (NM_001040143.2, NM_001371246.1, NM_001371247.1 and 1 more transcripts).
Identifiers: ClinVar variation 677806 (VCV000677806.1), dbSNP rs116042841, ClinGen allele CA59742224.
Genomic context (GRCh38, chr2:165,375,199, plus strand): 5'-ATGTAAATTAGTATAGCTTTTATGGAAAACAGTATGGAGGTTTCTCAAAAAACTAAAAAT[A>G]GAACCACTATGTGATCCAACAATTCCATTACTGGGTATATATACAAAGGAAATTAAATCA-3'

ClinVar aggregate classification (germline): Likely benign (1 of 4 stars; one submission).

Allele frequency attached by ClinVar (database versions not stated): gnomAD 0.00768 and 0.00815; TOPMed 0.00852; 1000 Genomes Project 0.01298; 1000 Genomes Project 30x 0.01390.
gnomAD v4.1: 1,160 of 152,180 alleles (0.76%); highest among the groups gnomAD compares: African/African-American, 2.6%; 22 homozygotes.

Submission:

GeneDx
Classification: Likely benign. Last evaluated: 2018-06-14. Review status: criteria provided, single submitter. Criteria: GeneDx Variant Classification (06012015). Collection method: clinical testing. Allele origin: germline. Affected: yes.
Comment: This variant is considered likely benign or benign based on one or more of the following criteria: it is a conservative change, it occurs at a poorly conserved position in the protein, it is predicted to be benign by multiple in silico algorithms, and/or has population frequency not consistent with disease.